The following is an entry in ClinVar:

ClinVar aggregate classification (germline): Uncertain significance (1 of 4 stars; one submission).

Submission:

Labcorp Genetics (formerly Invitae), Labcorp
Classification: Uncertain significance. Last evaluated: 2022-09-06. Review status: criteria provided, single submitter. Criteria: Invitae Variant Classification Sherloc (09022015). Collection method: clinical testing. Allele origin: germline.
Comment: Algorithms developed to predict the effect of missense changes on protein structure and function (SIFT, PolyPhen-2, Align-GVGD) all suggest that this variant is likely to be disruptive. In summary, the available evidence is currently insufficient to determine the role of this variant in disease. Therefore, it has been classified as a Variant of Uncertain Significance. ClinVar contains an entry for this variant (Variation ID: 1519693). This variant has not been reported in the literature in individuals affected with AP2M1-related conditions. This variant is not present in population databases (gnomAD no frequency). This sequence change replaces arginine, which is basic and polar, with cysteine, which is neutral and slightly polar, at codon 44 of the AP2M1 protein (p.Arg44Cys).

NM_004068.4(AP2M1):c.130C>T (p.Arg44Cys)

Gene: AP2M1 (adaptor related protein complex 2 subunit mu 1; plus strand). Cytogenetic location: 3q27.1.
Variant type: single nucleotide variant.
Coding change: c.130C>T on transcript NM_004068.4 (MANE Select); coding-DNA position 130, C replaced by T.
Protein change: p.Arg44Cys; replaces arginine 44 with cysteine.
Molecular consequence: missense variant.
Genome position (GRCh38, 1-based): chr3:184,178,912, C>T. VCF-style: chr3-184178912-C-T. GRCh37 (hg19) VCF-style: chr3-183896700-C-T.
Other names: c.130C>T, p.Arg44Cys (NM_001025205.2); c.205C>T, p.Arg69Cys (NM_001311198.2); short protein forms R44C, R69C.
Identifiers: ClinVar variation 1519693 (VCV001519693.8), dbSNP rs1431035134, ClinGen allele CA355420160.
Genomic context (GRCh38, chr3:184,178,912, plus strand): 5'-CTCAGGAGGAACGCAGTGGATGCCTTTCGGGTCAATGTTATCCATGCCCGGCAGCAGGTG[C>T]GCAGCCCCGTCACCAACATTGCTCGCACCAGCTTCTTCCACGTTAAGCGGTCCAACATTT-3'
Protein context (NP_004059.2, residues 34-54): VNVIHARQQV[Arg44Cys]SPVTNIARTS